The following is an entry in ClinVar:

NM_003070.5(SMARCA2):c.4712A>G (p.Asp1571Gly)

Gene: SMARCA2 (SWI/SNF related BAF chromatin remodeling complex subunit ATPase 2; plus strand). Cytogenetic location: 9p24.3.
Variant type: single nucleotide variant.
Coding change: c.4712A>G on transcript NM_003070.5 (MANE Select); coding-DNA position 4712, A replaced by G.
Protein change: p.Asp1571Gly; replaces aspartic acid 1571 with glycine.
Molecular consequence: missense variant.
Genome position (GRCh38, 1-based): chr9:2,191,383, A>G. VCF-style: chr9-2191383-A-G. GRCh37 (hg19) VCF-style: chr9-2191383-A-G.
Other names: c.4712A>G, p.Asp1571Gly (NM_001289396.2); c.4484A>G, p.Asp1495Gly (NM_001289397.2); c.686A>G, p.Asp229Gly (NM_001289398.2); c.770A>G, p.Asp257Gly (NM_001289399.2); c.776A>G, p.Asp259Gly (NM_001289400.2); c.4658A>G, p.Asp1553Gly (NM_139045.4); short protein forms D1495G, D1553G, D1571G, D229G, D257G, D259G.
Identifiers: ClinVar variation 2571711 (VCV002571711.1), dbSNP rs2537636831, ClinGen allele CA372792881.
Genomic context (GRCh38, chr9:2,191,383, plus strand): 5'-AAGGGAAAGGCAAGAAAAGGCCAAATCGAGGAAAAGCCAAACCTGTAGTGAGCGATTTTG[A>G]CAGCGATGAGGAGCAGGATGAACGTGTAAGTGTAGCCGACTGGGACTGAAGGCGGAGACG-3'
Protein context (NP_003061.3, residues 1561-1581): GKAKPVVSDF[Asp1571Gly]SDEEQDEREQ

ClinVar aggregate classification (germline): Uncertain significance (1 of 4 stars; one submission).

Submission:

GeneDx
Classification: Uncertain significance. Last evaluated: 2023-01-10. Review status: criteria provided, single submitter. Criteria: GeneDx Variant Classification Process June 2021. Collection method: clinical testing. Allele origin: germline. Affected: yes.
Comment: Not observed at significant frequency in large population cohorts (gnomAD); In silico analysis supports that this missense variant has a deleterious effect on protein structure/function; Has not been previously published as pathogenic or benign to our knowledge